The following is an entry in ClinVar:

NM_001142800.2(EYS):c.7322A>G (p.His2441Arg)

Gene: EYS (EGF-like photoreceptor maintenance factor; minus strand). Cytogenetic location: 6q12.
Variant type: single nucleotide variant.
Coding change: c.7322A>G on transcript NM_001142800.2 (MANE Select); coding-DNA position 7322, A replaced by G.
Protein change: p.His2441Arg; replaces histidine 2441 with arginine.
Molecular consequence: missense variant.
Genome position (GRCh38, 1-based): chr6:63,806,279, T>C on the plus strand (A>G on the coding strand, the complement: EYS is on the minus strand). VCF-style: chr6-63806279-T-C. GRCh37 (hg19) VCF-style: chr6-64516172-T-C.
Other names: c.7322A>G, p.His2441Arg (NM_001292009.2); c.7322A>G (NM_001142800.1); short protein forms H2441R.
Identifiers: ClinVar variation 1957998 (VCV001957998.4), dbSNP rs1160647824, ClinGen allele CA364387797.
Genomic context (GRCh38, chr6:63,806,279, plus strand): 5'-AAGTTATTTTGCAGTGCTGAGTGGTTGTTTGCCAGCTGAAACTTCAGGTGGAATTCATAA[T>C]GGAAGCTGATGTCTGAGATCCGTGAATAAGCCAGGAATGAGGTGTATCCAAAGGCATCTG-3'
Protein context (NP_001136272.1, residues 2431-2451): AYSRISDISF[His2441Arg]YEFHLKFQLA

ClinVar aggregate classification (germline): Uncertain significance. Review status: criteria provided, multiple submitters, no conflicts (2 of 4 stars). 3 submissions from 3 submitters: Uncertain significance (3). Last evaluated 2025-10-24.

Conditions:
Inborn genetic diseases. Identifiers: MedGen C0950123, MeSH D030342.

Allele frequency attached by ClinVar (database versions not stated): gnomAD exomes 0.00001.
gnomAD v4.1: 17 of 1,551,686 alleles (0.0011%); highest among the groups gnomAD compares: African/African-American, 0.0014%; no homozygotes.

Submissions (3):

Ambry Genetics
Classification: Uncertain significance for Inborn genetic diseases. Last evaluated: 2025-10-24. Review status: criteria provided, single submitter. Criteria: Ambry Variant Classification Scheme 2023. Collection method: clinical testing. Allele origin: germline.

Blueprint Genetics
Classification: Uncertain significance. Last evaluated: 2023-06-01. Review status: criteria provided, single submitter. Criteria: ACMG Guidelines, 2015. Collection method: clinical testing. Allele origin: germline.

Labcorp Genetics (formerly Invitae), Labcorp
Classification: Uncertain significance. Last evaluated: 2022-03-22. Review status: criteria provided, single submitter. Criteria: Invitae Variant Classification Sherloc (09022015). Collection method: clinical testing. Allele origin: germline.
Comment: This sequence change replaces histidine, which is basic and polar, with arginine, which is basic and polar, at codon 2441 of the EYS protein (p.His2441Arg). This variant is present in population databases (no rsID available, gnomAD 0.002%). This variant has not been reported in the literature in individuals affected with EYS-related conditions. Algorithms developed to predict the effect of missense changes on protein structure and function (SIFT, PolyPhen-2, Align-GVGD) all suggest that this variant is likely to be tolerated. In summary, the available evidence is currently insufficient to determine the role of this variant in disease. Therefore, it has been classified as a Variant of Uncertain Significance.